The following is an entry in ClinVar:

NM_001082486.2(ACD):c.401G>C (p.Arg134Pro)

Gene: ACD (ACD shelterin complex subunit and telomerase recruitment factor; minus strand). Cytogenetic location: 16q22.1.
Variant type: single nucleotide variant.
Coding change: c.401G>C on transcript NM_001082486.2 (MANE Select); coding-DNA position 401, G replaced by C.
Protein change: p.Arg134Pro; replaces arginine 134 with proline.
Molecular consequence: missense variant.
Genome position (GRCh38, 1-based): chr16:67,659,549, C>G on the plus strand (G>C on the coding strand, the complement: ACD is on the minus strand). VCF-style: chr16-67659549-C-G. GRCh37 (hg19) VCF-style: chr16-67693452-C-G.
Other names: c.401G>C, p.Arg134Pro (NM_001410884.1); c.392G>C, p.Arg131Pro (NM_022914.3); short protein forms R131P, R134P.
Identifiers: ClinVar variation 3480439 (VCV003480439.1).

ClinVar aggregate classification (germline): Uncertain significance (1 of 4 stars; one submission).

Conditions:
Inborn genetic diseases. Identifiers: MedGen C0950123, MeSH D030342.

Submission:

Ambry Genetics
Classification: Uncertain significance for Inborn genetic diseases. Last evaluated: 2024-10-17. Review status: criteria provided, single submitter. Criteria: Ambry Variant Classification Scheme 2023. Collection method: clinical testing. Allele origin: germline.
Comment: The p.R220P variant (also known as c.659G>C), located in coding exon 4 of the ACD gene, results from a G to C substitution at nucleotide position 659. The arginine at codon 220 is replaced by proline, an amino acid with dissimilar properties. This amino acid position is conserved. In addition, this alteration is predicted to be tolerated by in silico analysis. Based on the available evidence, the clinical significance of this variant remains unclear.